The following is an entry in ClinVar:

NM_001458.5(FLNC):c.6713C>A (p.Thr2238Asn)

Genes: FLNC (filamin C; plus strand), FLNC-AS1 (FLNC antisense RNA 1; minus strand). Cytogenetic location: 7q32.1.
Variant type: single nucleotide variant.
Coding change: c.6713C>A on transcript NM_001458.5 (MANE Select); coding-DNA position 6713, C replaced by A.
Protein change: p.Thr2238Asn; replaces threonine 2238 with asparagine.
Molecular consequence: missense variant.
Genome position (GRCh38, 1-based): chr7:128,854,202, C>A. VCF-style: chr7-128854202-C-A. GRCh37 (hg19) VCF-style: chr7-128494256-C-A.
Other names: c.6614C>A, p.Thr2205Asn (NM_001127487.2); short protein forms T2238N, T2205N.
Identifiers: ClinVar variation 1755059 (VCV001755059.5), dbSNP rs1043618669, ClinGen allele CA166191330.

ClinVar aggregate classification (germline): Uncertain significance. Review status: criteria provided, multiple submitters, no conflicts (2 of 4 stars). 2 submissions from 2 submitters: Uncertain significance (2). Last evaluated 2023-11-19.

Conditions:
Hypertrophic cardiomyopathy 26. Also called: Cardiomyopathy, familial hypertrophic, 26. Identifiers: Orphanet 75249, MedGen C4310749, MONDO:0014883, OMIM 617047.
Distal myopathy with posterior leg and anterior hand involvement. Also called: WILLIAMS DISTAL MYOPATHY. Identifiers: Orphanet 63273, MedGen C3279722, MONDO:0013550, OMIM 614065.
Myofibrillar myopathy 5. Also called: Filaminopathy (type); FILAMINOPATHY, AUTOSOMAL DOMINANT. Identifiers: Orphanet 171445, MedGen C1836050, MONDO:0012289, OMIM 609524.
Cardiovascular phenotype. Identifiers: MedGen CN230736.

gnomAD v4.1: 1 of 1,607,692 alleles (0.000062%); highest among the groups gnomAD compares: South Asian, 0.0011%; no homozygotes.

Submissions (2):

Labcorp Genetics (formerly Invitae), Labcorp
Classification: Uncertain significance for Distal myopathy with posterior leg and anterior hand involvement; Myofibrillar myopathy 5; Hypertrophic cardiomyopathy 26. Last evaluated: 2023-11-19. Review status: criteria provided, single submitter. Criteria: Invitae Variant Classification Sherloc (09022015). Collection method: clinical testing. Allele origin: germline.
Comment: This sequence change replaces threonine, which is neutral and polar, with asparagine, which is neutral and polar, at codon 2238 of the FLNC protein (p.Thr2238Asn). This variant is not present in population databases (gnomAD no frequency). This variant has not been reported in the literature in individuals affected with FLNC-related conditions. ClinVar contains an entry for this variant (Variation ID: 1755059). An algorithm developed to predict the effect of missense changes on protein structure and function (PolyPhen-2) suggests that this variant is likely to be tolerated. In summary, the available evidence is currently insufficient to determine the role of this variant in disease. Therefore, it has been classified as a Variant of Uncertain Significance.

Ambry Genetics
Classification: Uncertain significance for Cardiovascular phenotype. Last evaluated: 2020-10-13. Review status: criteria provided, single submitter. Criteria: Ambry Variant Classification Scheme 2023. Collection method: clinical testing. Allele origin: germline.
Comment: The p.T2238N variant (also known as c.6713C>A), located in coding exon 40 of the FLNC gene, results from a C to A substitution at nucleotide position 6713. The threonine at codon 2238 is replaced by asparagine, an amino acid with similar properties. This amino acid position is not well conserved in available vertebrate species. In addition, this alteration is predicted to be tolerated by in silico analysis. Since supporting evidence is limited at this time, the clinical significance of this alteration remains unclear.